The following is an entry in ClinVar:

ClinVar aggregate classification (germline): Uncertain significance (1 of 4 stars; one submission).

Conditions:
Epileptic encephalopathy. Identifiers: MedGen C0543888, HP:0200134.

Allele frequency attached by ClinVar (database versions not stated): gnomAD exomes 0.00001; gnomAD 0.00002; TOPMed 0.00002.

Submission:

Labcorp Genetics (formerly Invitae), Labcorp
Classification: Uncertain significance for Epileptic encephalopathy. Last evaluated: 2025-04-02. Review status: criteria provided, single submitter. Criteria: Invitae Variant Classification Sherloc (09022015). Collection method: clinical testing. Allele origin: germline.
Comment: This sequence change replaces glutamic acid, which is acidic and polar, with lysine, which is basic and polar, at codon 209 of the FASN protein (p.Glu209Lys). The frequency data for this variant in the population databases is considered unreliable, as metrics indicate poor data quality at this position in the gnomAD database. This variant has not been reported in the literature in individuals affected with FASN-related conditions. ClinVar contains an entry for this variant (Variation ID: 952159). An algorithm developed to predict the effect of missense changes on protein structure and function (PolyPhen-2) suggests that this variant is likely to be tolerated. In summary, the available evidence is currently insufficient to determine the role of this variant in disease. Therefore, it has been classified as a Variant of Uncertain Significance.

NM_004104.5(FASN):c.625G>A (p.Glu209Lys)

Gene: FASN (fatty acid synthase; minus strand). Cytogenetic location: 17q25.3.
Variant type: single nucleotide variant.
Coding change: c.625G>A on transcript NM_004104.5 (MANE Select); coding-DNA position 625, G replaced by A.
Protein change: p.Glu209Lys; replaces glutamic acid 209 with lysine.
Molecular consequence: missense variant.
Genome position (GRCh38, 1-based): chr17:82,093,249, C>T on the plus strand (G>A on the coding strand, the complement: FASN is on the minus strand). VCF-style: chr17-82093249-C-T. GRCh37 (hg19) VCF-style: chr17-80051125-C-T.
Other names: short protein forms E209K.
Identifiers: ClinVar variation 952159 (VCV000952159.9), dbSNP rs1231782441, ClinGen allele CA401563513.